The following is an entry in ClinVar:

ClinVar aggregate classification (germline): Uncertain significance. Review status: criteria provided, multiple submitters, no conflicts (2 of 4 stars). 2 submissions from 2 submitters: Uncertain significance (2). Last evaluated 2026-03-30.

Conditions:
Inborn genetic diseases. Identifiers: MedGen C0950123, MeSH D030342.
Monocytopenia with susceptibility to infections. Also called: MONOCYTOPENIA AND MYCOBACTERIAL INFECTION SYNDROME; MONOCYTOPENIA WITH SUSCEPTIBILITY TO MYCOBACTERIAL, FUNGAL, AND PAPILLOMAVIRUS INFECTIONS AND MYELODYSPLASIA; COMBINED IMMUNODEFICIENCY WITH SUSCEPTIBILITY TO MYCOBACTERIAL, VIRAL, AND FUNGAL INFECTIONS; Dendritic cell, monocyte, B lymphocyte, and natural killer lymphocyte deficiency; IMMUNODEFICIENCY 21; GATA2 DEFICIENCY. Identifiers: Orphanet 228423, MedGen C3280030, MONDO:0013607, OMIM 614172.
Deafness-lymphedema-leukemia syndrome. Also called: Lymphedema, primary, with myelodysplasia; Emberger syndrome. Identifiers: Orphanet 3226, MedGen C3279664, MONDO:0013540, OMIM 614038.

Allele frequency attached by ClinVar (database versions not stated): TOPMed 0.00001.
gnomAD v4.1: 1 of 1,612,838 alleles (0.000062%); highest among the groups gnomAD compares: Non-Finnish European, 0.000085%; no homozygotes.

Submissions (2):

Ambry Genetics
Classification: Uncertain significance for Inborn genetic diseases. Last evaluated: 2026-03-30. Review status: criteria provided, single submitter. Criteria: Ambry Variant Classification Scheme 2023. Collection method: clinical testing. Allele origin: germline.
Comment: The p.F48L variant (also known as c.142T>C), located in coding exon 1 of the GATA2 gene, results from a T to C substitution at nucleotide position 142. The phenylalanine at codon 48 is replaced by leucine, an amino acid with highly similar properties. This variant was reported in individual(s) with features consistent with MDS as part of a complex allele and was observed in trans with another truncating variant in the same gene (Donadieu J et al. Haematologica, 2018 Aug;103:1278-1287). This amino acid position is highly conserved in available vertebrate species. In addition, this alteration is predicted to be deleterious by in silico analysis. Based on the available evidence, the clinical significance of this variant remains unclear.

Labcorp Genetics (formerly Invitae), Labcorp
Classification: Uncertain significance for Monocytopenia with susceptibility to infections; Deafness-lymphedema-leukemia syndrome. Last evaluated: 2025-03-25. Review status: criteria provided, single submitter. Criteria: Invitae Variant Classification Sherloc (09022015). Collection method: clinical testing. Allele origin: germline.
Comment: This sequence change replaces phenylalanine, which is neutral and non-polar, with leucine, which is neutral and non-polar, at codon 48 of the GATA2 protein (p.Phe48Leu). This variant is not present in population databases (gnomAD no frequency). This missense change has been observed in individual(s) with GATA2-related conditions (PMID: 34387894). ClinVar contains an entry for this variant (Variation ID: 1038088). Invitae Evidence Modeling of protein sequence and biophysical properties (such as structural, functional, and spatial information, amino acid conservation, physicochemical variation, residue mobility, and thermodynamic stability) indicates that this missense variant is not expected to disrupt GATA2 protein function with a negative predictive value of 95%. In summary, the available evidence is currently insufficient to determine the role of this variant in disease. Therefore, it has been classified as a Variant of Uncertain Significance.

Literature cited by the submitters: PubMed 29724903 (cited by Ambry Genetics); PubMed 34387894 (cited by Labcorp Genetics (formerly Invitae), Labcorp).

NM_032638.5(GATA2):c.142T>C (p.Phe48Leu)

Gene: GATA2 (GATA binding protein 2; minus strand). Cytogenetic location: 3q21.3.
Variant type: single nucleotide variant.
Coding change: c.142T>C on transcript NM_032638.5 (MANE Select); coding-DNA position 142, T replaced by C.
Protein change: p.Phe48Leu; replaces phenylalanine 48 with leucine.
Molecular consequence: missense variant.
Genome position (GRCh38, 1-based): chr3:128,486,890, A>G on the plus strand (T>C on the coding strand, the complement: GATA2 is on the minus strand). VCF-style: chr3-128486890-A-G. GRCh37 (hg19) VCF-style: chr3-128205733-A-G.
Other names: c.142T>C (NM_032638.4); c.142T>C, p.Phe48Leu (NM_001145661.2, NM_001145662.1); short protein forms F48L.
Identifiers: ClinVar variation 1038088 (VCV001038088.7), dbSNP rs878855170, ClinGen allele CA354408673.